The following is an entry in ClinVar:

NM_000601.6(HGF):c.1891G>A (p.Val631Met)

Gene: HGF (hepatocyte growth factor; minus strand). Cytogenetic location: 7q21.11.
Variant type: single nucleotide variant.
Coding change: c.1891G>A on transcript NM_000601.6 (MANE Select); coding-DNA position 1891, G replaced by A.
Protein change: p.Val631Met; replaces valine 631 with methionine.
Molecular consequence: missense variant.
Genome position (GRCh38, 1-based): chr7:81,705,509, C>T on the plus strand (G>A on the coding strand, the complement: HGF is on the minus strand). VCF-style: chr7-81705509-C-T. GRCh37 (hg19) VCF-style: chr7-81334825-C-T.
Other names: c.1876G>A, p.Val626Met (NM_001010932.3); short protein forms V631M, V626M.
Identifiers: ClinVar variation 178380 (VCV000178380.39), dbSNP rs145494248, ClinGen allele CA182219.
Genomic context (GRCh38, chr7:81,705,509, plus strand): 5'-TCACCTTCCCTCGATGATGCTGGCTGCATTTCTCATTTCCCATTATATAGAGATGTGCCA[C>T]TCGTAATAGGCCATCATAGTTGATCACTAGATTGATGCAAAAAACATACAATAAGGTGAG-3'
Protein context (NP_000592.3, residues 621-641): GLINYDGLLR[Val631Met]AHLYIMGNEK

ClinVar aggregate classification (germline): Conflicting classifications of pathogenicity. Review status: criteria provided, conflicting classifications (1 of 4 stars). 6 submissions from 6 submitters: Uncertain significance (3); Benign (1); Likely benign (2). Last evaluated 2025-06-03.

Conditions:
Autosomal recessive nonsyndromic hearing loss 39. Identifiers: Orphanet 90636, MedGen C1842342, MONDO:0012003, OMIM 608265.

Allele frequency attached by ClinVar (database versions not stated): 1000 Genomes Project 30x 0.00016; 1000 Genomes Project 0.00020; gnomAD 0.00053 and 0.00054; TOPMed 0.00061; ExAC 0.00065; ESP Exome Variant Server 0.00108.
gnomAD v4.1: 1,154 of 1,612,546 alleles (0.072%); highest among the groups gnomAD compares: Non-Finnish European, 0.091%; no homozygotes.

Submissions (6):

Labcorp Genetics (formerly Invitae), Labcorp
Classification: Uncertain significance. Last evaluated: 2025-06-03. Review status: criteria provided, single submitter. Criteria: Invitae Variant Classification Sherloc (09022015). Collection method: clinical testing. Allele origin: germline.
Comment: This sequence change replaces valine, which is neutral and non-polar, with methionine, which is neutral and non-polar, at codon 631 of the HGF protein (p.Val631Met). This variant is present in population databases (rs145494248, gnomAD 0.1%), and has an allele count higher than expected for a pathogenic variant. This missense change has been observed in individual(s) with HGF-related conditions (PMID: 18564920). ClinVar contains an entry for this variant (Variation ID: 178380). An algorithm developed to predict the effect of missense changes on protein structure and function (PolyPhen-2) suggests that this variant is likely to be disruptive. In summary, the available evidence is currently insufficient to determine the role of this variant in disease. Therefore, it has been classified as a Variant of Uncertain Significance.

Blueprint Genetics
Classification: Likely benign. Last evaluated: 2024-11-17. Review status: criteria provided, single submitter. Criteria: ACMG Guidelines, 2015. Collection method: clinical testing. Allele origin: germline.

CeGaT Center for Human Genetics Tuebingen
Classification: Uncertain significance. Last evaluated: 2023-02-01. Review status: criteria provided, single submitter. Criteria: CeGaT Center For Human Genetics Tuebingen Variant Classification Criteria Version 2. Collection method: clinical testing. Allele origin: germline. Affected: yes. Observed: 1 variant allele.
Comment: HGF: PP3

GeneDx
Classification: Likely benign. Last evaluated: 2021-05-21. Review status: criteria provided, single submitter. Criteria: GeneDx Variant Classification Process June 2021. Collection method: clinical testing. Allele origin: germline. Affected: yes.
Comment: This variant is associated with the following publications: (PMID: 18564920)

Mendelics
Classification: Benign for Autosomal recessive nonsyndromic hearing loss 39. Last evaluated: 2019-05-28. Review status: criteria provided, single submitter. Criteria: Mendelics Assertion Criteria 2017. Collection method: clinical testing. Allele origin: unknown.

Laboratory for Molecular Medicine, Mass General Brigham Personalized Medicine
Classification: Uncertain significance. Last evaluated: 2018-04-24. Review status: criteria provided, single submitter. Criteria: LMM Criteria. Collection method: clinical testing. Allele origin: germline. Observed: 4 variant alleles.
Comment: Variant classified as Uncertain Significance - Favor Benign. The p.Val631Met var iant in HGF has been previously reported by our laboratory in the heterozygous s tate in 3 individuals with hearing loss, none of whom has a second variant on th e other allele. This variant has been identified in 0.11% (132/125958) of Europe an chromosomes by the Genome Aggregation Database (gnomAD; dbSNP rs145494248). Although this variant has been seen in the gen eral population, its frequency is not high enough to rule out a pathogenic role. Computational prediction tools and conservation analysis do not provide strong support for or against an impact to the protein. In summary, the clinical signif icance of the p.Val631Met variant is uncertain; however, we would lean towards a benign role based on population frequency. ACMG/AMP Criteria applied: BS1_Suppo rting.

Literature cited by the submitters: PubMed 18564920 (cited by Labcorp Genetics (formerly Invitae), Labcorp and Laboratory for Molecular Medicine, Mass General Brigham Personalized Medicine).